The following is an entry in ClinVar:

NM_016219.5(MAN1B1):c.717A>G (p.Thr239=)

Gene: MAN1B1 (mannosidase alpha class 1B member 1; plus strand). Cytogenetic location: 9q34.3.
Variant type: single nucleotide variant.
Coding change: c.717A>G on transcript NM_016219.5 (MANE Select); coding-DNA position 717, A replaced by G.
Protein change: p.Thr239=; no amino-acid change (threonine 239 retained).
Molecular consequence: synonymous variant. On other transcripts: non-coding transcript variant (2).
Genome position (GRCh38, 1-based): chr9:137,097,924, A>G. VCF-style: chr9-137097924-A-G. GRCh37 (hg19) VCF-style: chr9-139992376-A-G.
Identifiers: ClinVar variation 365952 (VCV000365952.37), dbSNP rs112434939, ClinGen allele CA5358738.

ClinVar aggregate classification (germline): Likely benign. Review status: criteria provided, multiple submitters, no conflicts (2 of 4 stars). 4 submissions from 4 submitters: Likely benign (4). Last evaluated 2025-12-09.

Conditions:
Inborn genetic diseases. Identifiers: MedGen C0950123, MeSH D030342.
Rafiq syndrome (RAFQS). Identifiers: Orphanet 88616, MedGen C3280127, MONDO:0013624, OMIM 614202.

Allele frequency attached by ClinVar (database versions not stated): gnomAD exomes 0.00002 and 0.00004; TOPMed 0.00022; ESP Exome Variant Server 0.00023; ExAC 0.00024; gnomAD 0.00026 and 0.00027; 1000 Genomes Project 30x 0.00078; 1000 Genomes Project 0.00080.

Submissions (4):

Labcorp Genetics (formerly Invitae), Labcorp
Classification: Likely benign for Rafiq syndrome. Last evaluated: 2025-12-09. Review status: criteria provided, single submitter. Criteria: Invitae Variant Classification Sherloc (09022015). Collection method: clinical testing. Allele origin: germline.

CeGaT Center for Human Genetics Tuebingen
Classification: Likely benign. Last evaluated: 2024-02-01. Review status: criteria provided, single submitter. Criteria: CeGaT Center For Human Genetics Tuebingen Variant Classification Criteria Version 2. Collection method: clinical testing. Allele origin: germline. Affected: yes. Observed: 1 variant allele.
Comment: MAN1B1: BP4, BP7

Illumina Laboratory Services, Illumina
Classification: Likely benign for Rafiq syndrome. Last evaluated: 2018-01-13. Review status: criteria provided, single submitter. Criteria: ICSL Variant Classification Criteria 13 December 2019. Collection method: clinical testing. Allele origin: germline.
Comment: This variant was observed in the ICSL laboratory as part of a predisposition screen in an ostensibly healthy population. It had not been previously curated by ICSL or reported in the Human Gene Mutation Database (HGMD: prior to June 1st, 2018), and was therefore a candidate for classification through an automated scoring system. Utilizing variant allele frequency, disease prevalence and penetrance estimates, and inheritance mode, an automated score was calculated to assess if this variant is too frequent to cause the disease. Based on the score and internal cut-off values, a variant classified as likely benign is not then subjected to further curation. The score for this variant resulted in a classification of likely benign for this disease.

Ambry Genetics
Classification: Likely benign for Inborn genetic diseases. Last evaluated: 2016-08-01. Review status: criteria provided, single submitter. Criteria: Ambry Variant Classification Scheme 2023. Collection method: clinical testing. Allele origin: germline.